The following is an entry in ClinVar:

ClinVar aggregate classification (germline): Uncertain significance (1 of 4 stars; one submission).

Conditions:
Hereditary cancer-predisposing syndrome. Also called: Neoplastic Syndromes, Hereditary; Tumor predisposition; Hereditary Cancer Syndrome; Hereditary neoplastic syndrome. Identifiers: Orphanet 140162, MedGen C0027672, MeSH D009386, MONDO:0015356.

Submission:

Ambry Genetics
Classification: Uncertain significance for Hereditary cancer-predisposing syndrome. Last evaluated: 2026-04-22. Review status: criteria provided, single submitter. Criteria: Ambry Variant Classification Scheme 2023. Collection method: clinical testing. Allele origin: germline.
Comment: The p.Q1387H variant (also known as c.4161A>T), located in coding exon 21 of the BLM gene, results from an A to T substitution at nucleotide position 4161. The glutamine at codon 1387 is replaced by histidine, an amino acid with highly similar properties. This amino acid position is conserved. In addition, this alteration is predicted to be tolerated by in silico analysis. Based on the available evidence, the clinical significance of this variant remains unclear.

NM_000057.4(BLM):c.4161A>T (p.Gln1387His)

Gene: BLM (BLM RecQ like helicase; plus strand). Cytogenetic location: 15q26.1.
Variant type: single nucleotide variant.
Coding change: c.4161A>T on transcript NM_000057.4 (MANE Select); coding-DNA position 4161, A replaced by T.
Protein change: p.Gln1387His; replaces glutamine 1387 with histidine.
Molecular consequence: missense variant.
Genome position (GRCh38, 1-based): chr15:90,815,186, A>T. VCF-style: chr15-90815186-A-T. GRCh37 (hg19) VCF-style: chr15-91358416-A-T.
Other names: c.4161A>T, p.Gln1387His (NM_001287246.2); c.3768A>T, p.Gln1256His (NM_001287247.2); c.3036A>T, p.Gln1012His (NM_001287248.2); short protein forms Q1012H, Q1256H, Q1387H.
Identifiers: ClinVar variation 4867491 (VCV004867491.1).
Genomic context (GRCh38, chr15:90,815,186, plus strand): 5'-ATCTTCCAAAACGAAATCCTCCAGCATCATTGGATCCAGTTCAGCCTCACATACTTCTCA[A>T]GCGACATCAGGAGCCAATAGCAAATTGGGGATTATGGCTCCACCGAAGCCTATAAATAGA-3'
Protein context (NP_000048.1, residues 1377-1397): IGSSSASHTS[Gln1387His]ATSGANSKLG